The following is an entry in ClinVar:

ClinVar aggregate classification (germline): Conflicting classifications of pathogenicity. Review status: criteria provided, conflicting classifications (1 of 4 stars). 6 submissions from 6 submitters: Uncertain significance (4); Benign (1); Likely benign (1). Last evaluated 2025-11-06.

Conditions:
Arrhythmogenic right ventricular dysplasia 11. Also called: Arrhythmogenic Right Ventricular Dysplasia/Cardiomyopathy11; ARRHYTHMOGENIC RIGHT VENTRICULAR DYSPLASIA, FAMILIAL, 11; Arrhythmogenic right ventricular dysplasia 11 with mild palmoplantar keratoderma and woolly hair. Identifiers: MedGen C1864850, MONDO:0012506, OMIM 610476.
Cardiovascular phenotype. Identifiers: MedGen CN230736.
Familial isolated arrhythmogenic right ventricular dysplasia. Identifiers: Orphanet 217656, MedGen C4274968, MONDO:0016342.
Cardiomyopathy (CMYO). Also called: Cardiomyopathies. Identifiers: Orphanet 167848, MedGen C0878544, MONDO:0004994, HP:0001638. Inheritance: Various modes of inheritance.

Allele frequency attached by ClinVar (database versions not stated): gnomAD exomes 0.00002 and 0.00003; TOPMed 0.00002; gnomAD 0.00001 and 0.00002; ExAC 0.00002.
gnomAD v4.1: 27 of 1,613,956 alleles (0.0017%); highest among the groups gnomAD compares: East Asian, 0.011%; no homozygotes.

Submissions (6):

Ambry Genetics
Classification: Benign for Cardiovascular phenotype. Last evaluated: 2025-11-06. Review status: criteria provided, single submitter. Criteria: Ambry Variant Classification Scheme 2023. Collection method: clinical testing. Allele origin: germline.

Color Diagnostics, LLC DBA Color Health
Classification: Likely benign for Cardiomyopathy. Last evaluated: 2025-09-15. Review status: criteria provided, single submitter. Criteria: ACMG Guidelines, 2015. Collection method: clinical testing. Allele origin: germline.

Labcorp Genetics (formerly Invitae), Labcorp
Classification: Uncertain significance for Arrhythmogenic right ventricular dysplasia 11. Last evaluated: 2025-01-14. Review status: criteria provided, single submitter. Criteria: Invitae Variant Classification Sherloc (09022015). Collection method: clinical testing. Allele origin: germline.
Comment: This sequence change replaces alanine, which is neutral and non-polar, with threonine, which is neutral and polar, at codon 763 of the DSC2 protein (p.Ala763Thr). This variant is present in population databases (rs777004957, gnomAD 0.04%). This missense change has been observed in individual(s) with hypertrophic cardiomyopathy (PMID: 23396983). ClinVar contains an entry for this variant (Variation ID: 373271). Invitae Evidence Modeling of protein sequence and biophysical properties (such as structural, functional, and spatial information, amino acid conservation, physicochemical variation, residue mobility, and thermodynamic stability) indicates that this missense variant is not expected to disrupt DSC2 protein function with a negative predictive value of 80%. In summary, the available evidence is currently insufficient to determine the role of this variant in disease. Therefore, it has been classified as a Variant of Uncertain Significance.

All of Us Research Program, National Institutes of Health
Classification: Uncertain significance for Familial isolated arrhythmogenic right ventricular dysplasia. Last evaluated: 2024-07-23. Review status: criteria provided, single submitter. Criteria: ACMG Guidelines, 2015. Collection method: clinical testing. Allele origin: germline. Inheritance: Autosomal dominant inheritance. Observed: 3 variant alleles, 3 heterozygotes.
Comment: This missense variant replaces alanine with threonine at codon 763 of the DSC2 protein. Computational prediction suggests that this variant may not impact protein structure and function (internally defined REVEL score threshold <= 0.5, PMID: 27666373). To our knowledge, functional studies have not been reported for this variant. This variant has been reported in an individual affected with hypertrophic cardiomyopathy, who also carried a pathogenic truncation variant in the MYBPC3 gene (PMID: 23396983). This variant has not been identified in the general population by the Genome Aggregation Database (gnomAD). The available evidence is insufficient to determine the role of this variant in disease conclusively. Therefore, this variant is classified as a Variant of Uncertain Significance.

This study involves interpretation of variants in research participants for the purpose of population health screening. Participant phenotype was not available at the time of variant classification. Additional details can be found in publication PMID: 35346344, PMCID: PMC8962531

Fulgent Genetics
Classification: Uncertain significance for Arrhythmogenic right ventricular dysplasia 11. Last evaluated: 2021-08-16. Review status: criteria provided, single submitter. Criteria: ACMG Guidelines, 2015. Collection method: clinical testing. Allele origin: unknown.

GeneDx
Classification: Uncertain significance. Last evaluated: 2016-11-16. Review status: criteria provided, single submitter. Criteria: GeneDx Variant Classification (06012015). Collection method: clinical testing. Allele origin: germline. Affected: yes.
Comment: A variant of uncertain significance has been identified in the DSC2 gene. The A763T variant has been previously reported in at least one individual in association with HCM (Lopes et al., 2013; Lopes et al., 2015); however, Lopes et al. (2013) reported this individual harbored two additional cardiogenetic variants, including a nonsense variant in the MYBPC3 gene, and no segregation studies were reported. The A763T variant was not observed in approximately 6,500 individuals of European and African American ancestry in the NHLBI Exome Sequencing Project, indicating it is not a common benign variant in these populations. Additionally, the A763T variant is a non-conservative amino acid substitution, which is likely to impact secondary protein structure as these residues differ in polarity, charge, size and/or other properties. Nevertheless, this substitution occurs at a position that is not conserved across species and Threonine is tolerated at this position in multiple species. Furthemore, in silico analysis predicts this variant likely does not alter the protein structure/function. Therefore, based on the currently available information, it is unclear whether this variant is pathogenic or rare benign.

Literature cited by the submitters: PubMed 23396983 (cited by 3 submitters).

NM_024422.6(DSC2):c.2287G>A (p.Ala763Thr)

Gene: DSC2 (desmocollin 2; minus strand). Cytogenetic location: 18q12.1.
Variant type: single nucleotide variant.
Coding change: c.2287G>A on transcript NM_024422.6 (MANE Select); coding-DNA position 2287, G replaced by A.
Protein change: p.Ala763Thr; replaces alanine 763 with threonine.
Molecular consequence: missense variant.
Genome position (GRCh38, 1-based): chr18:31,069,115, C>T on the plus strand (G>A on the coding strand, the complement: DSC2 is on the minus strand). VCF-style: chr18-31069115-C-T. GRCh37 (hg19) VCF-style: chr18-28649081-C-T.
Other names: c.2287G>A, p.Ala763Thr (NM_004949.5); short protein forms A763T.
Identifiers: ClinVar variation 373271 (VCV000373271.17), dbSNP rs777004957, ClinGen allele CA036045.